The following is an entry in ClinVar:

NM_004341.5(CAD):c.993C>T (p.Phe331=)

Gene: CAD (carbamoyl-phosphate synthetase 2, aspartate transcarbamylase, and dihydroorotase; plus strand). Cytogenetic location: 2p23.3.
Variant type: single nucleotide variant.
Coding change: c.993C>T on transcript NM_004341.5 (MANE Select); coding-DNA position 993, C replaced by T.
Protein change: p.Phe331=; no amino-acid change (phenylalanine 331 retained).
Molecular consequence: synonymous variant.
Genome position (GRCh38, 1-based): chr2:27,223,746, C>T. VCF-style: chr2-27223746-C-T. GRCh37 (hg19) VCF-style: chr2-27446614-C-T.
Other names: c.993C>T, p.Phe331= (NM_001306079.2).
Identifiers: ClinVar variation 1964200 (VCV001964200.5), dbSNP rs2465293518, ClinGen allele CA425382644.

ClinVar aggregate classification (germline): Uncertain significance (1 of 4 stars; one submission).

Submission:

Labcorp Genetics (formerly Invitae), Labcorp
Classification: Uncertain significance. Last evaluated: 2022-08-25. Review status: criteria provided, single submitter. Criteria: Invitae Variant Classification Sherloc (09022015). Collection method: clinical testing. Allele origin: germline.
Comment: In summary, the available evidence is currently insufficient to determine the role of this variant in disease. Therefore, it has been classified as a Variant of Uncertain Significance. Algorithms developed to predict the effect of sequence changes on RNA splicing suggest that this variant may create or strengthen a splice site. This variant has not been reported in the literature in individuals affected with CAD-related conditions. This variant is not present in population databases (gnomAD no frequency). This sequence change affects codon 331 of the CAD mRNA. It is a 'silent' change, meaning that it does not change the encoded amino acid sequence of the CAD protein.